The following is an entry in ClinVar:

NM_018942.3(HMX1):c.399C>A (p.Ser133Arg)

Gene: HMX1 (H6 family homeobox 1; minus strand). Cytogenetic location: 4p16.1.
Variant type: single nucleotide variant.
Coding change: c.399C>A on transcript NM_018942.3 (MANE Select); coding-DNA position 399, C replaced by A.
Protein change: p.Ser133Arg; replaces serine 133 with arginine.
Molecular consequence: missense variant. On other transcripts: intron variant (1).
Genome position (GRCh38, 1-based): chr4:8,868,341, G>T on the plus strand (C>A on the coding strand, the complement: HMX1 is on the minus strand). VCF-style: chr4-8868341-G-T. GRCh37 (hg19) VCF-style: chr4-8870067-G-T.
Other names: c.394+2880C>A (NM_001306142.2); c.399C>A (NM_018942.2); short protein forms S133R.
Identifiers: ClinVar variation 1395221 (VCV001395221.7), dbSNP rs771660273, ClinGen allele CA92349819.

ClinVar aggregate classification (germline): Uncertain significance. Review status: criteria provided, multiple submitters, no conflicts (2 of 4 stars). 2 submissions from 2 submitters: Uncertain significance (2). Last evaluated 2023-12-27.

Conditions:
Inborn genetic diseases. Identifiers: MedGen C0950123, MeSH D030342.

Allele frequency attached by ClinVar (database versions not stated): gnomAD exomes 0.00017.
gnomAD v4.1: 37 of 1,377,812 alleles (0.0027%); highest among the groups gnomAD compares: Non-Finnish European, 0.0034%; no homozygotes.

Submissions (2):

Ambry Genetics
Classification: Uncertain significance for Inborn genetic diseases. Last evaluated: 2023-12-27. Review status: criteria provided, single submitter. Criteria: Ambry Variant Classification Scheme 2023. Collection method: clinical testing. Allele origin: germline.

Labcorp Genetics (formerly Invitae), Labcorp
Classification: Uncertain significance. Last evaluated: 2022-09-01. Review status: criteria provided, single submitter. Criteria: Invitae Variant Classification Sherloc (09022015). Collection method: clinical testing. Allele origin: germline.
Comment: In summary, the available evidence is currently insufficient to determine the role of this variant in disease. Therefore, it has been classified as a Variant of Uncertain Significance. Algorithms developed to predict the effect of missense changes on protein structure and function are either unavailable or do not agree on the potential impact of this missense change (SIFT: "Tolerated"; PolyPhen-2: "Possibly Damaging"; Align-GVGD: "Class C0"). ClinVar contains an entry for this variant (Variation ID: 1395221). This variant has not been reported in the literature in individuals affected with HMX1-related conditions. The frequency data for this variant in the population databases is considered unreliable, as metrics indicate poor data quality at this position in the gnomAD database. This sequence change replaces serine, which is neutral and polar, with arginine, which is basic and polar, at codon 133 of the HMX1 protein (p.Ser133Arg).